The following is an entry in ClinVar:

ClinVar aggregate classification (germline): Uncertain significance (1 of 4 stars; one submission).

Allele frequency attached by ClinVar (database versions not stated): gnomAD exomes below 0.00001; gnomAD 0.00001.
gnomAD v4.1: 3 of 1,613,188 alleles (0.00019%); highest among the groups gnomAD compares: African/African-American, 0.0027%; no homozygotes.

Submission:

Labcorp Genetics (formerly Invitae), Labcorp
Classification: Uncertain significance. Last evaluated: 2022-08-16. Review status: criteria provided, single submitter. Criteria: Invitae Variant Classification Sherloc (09022015). Collection method: clinical testing. Allele origin: germline.
Comment: This variant has not been reported in the literature in individuals affected with RPS20-related conditions. ClinVar contains an entry for this variant (Variation ID: 1441196). Algorithms developed to predict the effect of missense changes on protein structure and function (SIFT, PolyPhen-2, Align-GVGD) all suggest that this variant is likely to be tolerated. This variant is present in population databases (no rsID available, gnomAD 0.008%). This sequence change replaces proline, which is neutral and non-polar, with alanine, which is neutral and non-polar, at codon 10 of the RPS20 protein (p.Pro10Ala). In summary, the available evidence is currently insufficient to determine the role of this variant in disease. Therefore, it has been classified as a Variant of Uncertain Significance.

NM_001023.4(RPS20):c.28C>G (p.Pro10Ala)

Gene: RPS20 (ribosomal protein S20; minus strand). Cytogenetic location: 8q12.1.
Variant type: single nucleotide variant.
Coding change: c.28C>G on transcript NM_001023.4 (MANE Select); coding-DNA position 28, C replaced by G.
Protein change: p.Pro10Ala; replaces proline 10 with alanine.
Molecular consequence: missense variant.
Genome position (GRCh38, 1-based): chr8:56,074,135, G>C on the plus strand (C>G on the coding strand, the complement: RPS20 is on the minus strand). VCF-style: chr8-56074135-G-C. GRCh37 (hg19) VCF-style: chr8-56986694-G-C.
Other names: c.28C>G, p.Pro10Ala (NM_001146227.3); short protein forms P10A.
Identifiers: ClinVar variation 1441196 (VCV001441196.8), dbSNP rs1198530127, ClinGen allele CA371284062.
Genomic context (GRCh38, chr8:56,074,135, plus strand): 5'-TTACGTTGCGGCTTGTTAGGGTGATTCGAATTCGGTGAATTGCCACCTCCGGCTCCACGG[G>C]TGTTTTTCCGGTATCCTTAAAAGCCTATTATTAGATACATGAAAAAGAACAATAAGCCAA-3'
Protein context (NP_001014.1, residues 1-20): MAFKDTGKT[Pro10Ala]VEPEVAIHRI